The following is an entry in ClinVar:

ClinVar aggregate classification (germline): Uncertain significance. Review status: criteria provided, single submitter (1 of 4 stars). 2 submissions from 2 submitters: Uncertain significance (1). 1 of the submissions does not count toward it. Last evaluated 2025-09-07.

Conditions:
Autosomal recessive limb-girdle muscular dystrophy type 2J (LGMDR10). Also called: Limb-girdle muscular dystrophy, type 2J; MUSCULAR DYSTROPHY, LIMB-GIRDLE, AUTOSOMAL RECESSIVE 10. Identifiers: Orphanet 140922, MedGen C1837342, MONDO:0012127, OMIM 608807.
Dilated cardiomyopathy 1G (CMD1G). Identifiers: Orphanet 154, MedGen C1858763, MONDO:0011400, OMIM 604145.

Allele frequency attached by ClinVar (database versions not stated): gnomAD 0.00001 and 0.00004; TOPMed 0.00002; gnomAD exomes 0.00004; ExAC 0.00005; 1000 Genomes Project 0.00060; 1000 Genomes Project 30x 0.00109.
gnomAD v4.1: 60 of 1,614,110 alleles (0.0037%); highest among the groups gnomAD compares: East Asian, 0.11%; no homozygotes.

Submissions (2):

Labcorp Genetics (formerly Invitae), Labcorp
Classification: Uncertain significance for Dilated cardiomyopathy 1G; Autosomal recessive limb-girdle muscular dystrophy type 2J. Last evaluated: 2025-09-07. Review status: criteria provided, single submitter. Criteria: Invitae Variant Classification Sherloc (09022015). Collection method: clinical testing. Allele origin: germline.
Comment: This sequence change replaces valine, which is neutral and non-polar, with methionine, which is neutral and non-polar, at codon 54 of the TTN protein (p.Val54Met). This variant is present in population databases (rs139517732, gnomAD 0.05%). This missense change has been observed in individual(s) with cardiomyopathy (PMID: 11846417, 35063694). ClinVar contains an entry for this variant (Variation ID: 12656). Algorithms developed to predict the effect of variants on gene product structure and function are not available or were not evaluated for this variant. Experimental studies have shown that this missense change affects TTN function (PMID: 11846417). This variant is located in the Z band of TTN (PMID: 25589632). Non-truncating variants in this region may be clinically relevant, but have not been definitively shown to cause cardiomyopathy or neuromuscular disease (PMID: 27493940, 32778822). In summary, the available evidence is currently insufficient to determine the role of this variant in disease. Therefore, it has been classified as a Variant of Uncertain Significance.

OMIM
Classification: Pathogenic for CARDIOMYOPATHY, DILATED, 1G. Last evaluated: 2002-02-22. Review status: no assertion criteria provided. Collection method: literature only. Allele origin: germline. Not counted in ClinVar's aggregate classification.

Literature cited by the submitters: PubMed 11846417 (cited by Labcorp Genetics (formerly Invitae), Labcorp and OMIM); PubMed 35063694 (cited by Labcorp Genetics (formerly Invitae), Labcorp); PubMed 25589632 (cited by Labcorp Genetics (formerly Invitae), Labcorp); PubMed 27493940 (cited by Labcorp Genetics (formerly Invitae), Labcorp); PubMed 32778822 (cited by Labcorp Genetics (formerly Invitae), Labcorp).

NM_001267550.2(TTN):c.160G>A (p.Val54Met)

Gene: TTN (titin; minus strand). Cytogenetic location: 2q31.2.
Variant type: single nucleotide variant.
Coding change: c.160G>A on transcript NM_001267550.2 (MANE Select); coding-DNA position 160, G replaced by A.
Protein change: p.Val54Met; replaces valine 54 with methionine.
Molecular consequence: missense variant.
Genome position (GRCh38, 1-based): chr2:178,802,273, C>T on the plus strand (G>A on the coding strand, the complement: TTN is on the minus strand). VCF-style: chr2-178802273-C-T. GRCh37 (hg19) VCF-style: chr2-179667000-C-T.
Other names: c.160G>A, p.Val54Met (NM_001256850.1, NM_003319.4, NM_133378.4 and 3 more transcripts); short protein forms V54M.
Identifiers: ClinVar variation 12656 (VCV000012656.8), dbSNP rs139517732, ClinGen allele CA256511.